The following is an entry in ClinVar:

NM_152618.3(BBS12):c.1343C>T (p.Ala448Val)

Gene: BBS12 (Bardet-Biedl syndrome 12; plus strand). Cytogenetic location: 4q27.
Variant type: single nucleotide variant.
Coding change: c.1343C>T on transcript NM_152618.3 (MANE Select); coding-DNA position 1343, C replaced by T.
Protein change: p.Ala448Val; replaces alanine 448 with valine.
Molecular consequence: missense variant.
Genome position (GRCh38, 1-based): chr4:122,743,235, C>T. VCF-style: chr4-122743235-C-T. GRCh37 (hg19) VCF-style: chr4-123664390-C-T.
Other names: c.1343C>T (NM_152618.2); c.1343C>T, p.Ala448Val (NM_001178007.2); short protein forms A448V.
Identifiers: ClinVar variation 1984138 (VCV001984138.5), dbSNP rs778635548, ClinGen allele CA3069425.
Genomic context (GRCh38, chr4:122,743,235, plus strand): 5'-ACAGTAAGCGGTTGGTAATCGGCTCAGTGAATGGCAGTGTGATGCAGGCTTTTGCAGAGG[C>T]TGCAGGAGCAGTACAGGTGGCCTACATTACACAAGTGAATGAAGATTGTGTGGGCGACGG-3'
Protein context (NP_689831.2, residues 438-458): NGSVMQAFAE[Ala448Val]AGAVQVAYIT

ClinVar aggregate classification (germline): Uncertain significance. Review status: criteria provided, multiple submitters, no conflicts (2 of 4 stars). 4 submissions from 4 submitters: Uncertain significance (4). Last evaluated 2025-06-07.

Conditions:
Bardet-Biedl syndrome 12 (BBS12). Identifiers: Orphanet 110, MedGen C1859570, MONDO:0014440, OMIM 615989.
BBS12-related disorder. Also called: BBS12-related condition.
Inborn genetic diseases. Identifiers: MedGen C0950123, MeSH D030342.
Bardet-Biedl syndrome (BBS). Identifiers: Orphanet 110, MedGen C0752166, MONDO:0015229.

Allele frequency attached by ClinVar (database versions not stated): gnomAD exomes below 0.00001; ExAC 0.00001.
gnomAD v4.1: 7 of 1,614,144 alleles (0.00043%); highest among the groups gnomAD compares: Admixed American, 0.0033%; no homozygotes.

Submissions (4):

PreventionGenetics, part of Exact Sciences
Classification: Uncertain significance for BBS12-related condition. Last evaluated: 2025-06-07. Review status: criteria provided, single submitter. Criteria: ACMG Guidelines, 2015. Collection method: clinical testing. Allele origin: germline.
Comment: The BBS12 c.1343C>T variant is predicted to result in the amino acid substitution p.Ala448Val. To our knowledge, this variant has not been reported in the literature. This variant is reported in 0.0087% of alleles in individuals of Latino descent in gnomAD. At this time, the clinical significance of this variant is uncertain due to the absence of conclusive functional and genetic evidence.

Fulgent Genetics
Classification: Uncertain significance for Bardet-Biedl syndrome 12. Last evaluated: 2024-01-04. Review status: criteria provided, single submitter. Criteria: ACMG Guidelines, 2015. Collection method: clinical testing. Allele origin: germline.

Ambry Genetics
Classification: Uncertain significance for Inborn genetic diseases. Last evaluated: 2023-05-01. Review status: criteria provided, single submitter. Criteria: Ambry Variant Classification Scheme 2023. Collection method: clinical testing. Allele origin: germline.

Labcorp Genetics (formerly Invitae), Labcorp
Classification: Uncertain significance for Bardet-Biedl syndrome. Last evaluated: 2022-07-09. Review status: criteria provided, single submitter. Criteria: Invitae Variant Classification Sherloc (09022015). Collection method: clinical testing. Allele origin: germline.
Comment: This sequence change replaces alanine, which is neutral and non-polar, with valine, which is neutral and non-polar, at codon 448 of the BBS12 protein (p.Ala448Val). This variant is present in population databases (rs778635548, gnomAD 0.009%). This variant has not been reported in the literature in individuals affected with BBS12-related conditions. Algorithms developed to predict the effect of missense changes on protein structure and function output the following: SIFT: "Tolerated"; PolyPhen-2: "Possibly Damaging"; Align-GVGD: "Class C0". The valine amino acid residue is found in multiple mammalian species, which suggests that this missense change does not adversely affect protein function. In summary, the available evidence is currently insufficient to determine the role of this variant in disease. Therefore, it has been classified as a Variant of Uncertain Significance.